The following is an entry in ClinVar:

NM_000264.5(PTCH1):c.4315G>T (p.Glu1439Ter)

Gene: PTCH1 (patched 1; minus strand). Cytogenetic location: 9q22.32.
Variant type: single nucleotide variant.
Coding change: c.4315G>T on transcript NM_000264.5 (MANE Select); coding-DNA position 4315, G replaced by T.
Protein change: p.Glu1439Ter; replaces glutamic acid 1439 with a stop codon.
Molecular consequence: nonsense. On other transcripts: non-coding transcript variant (1).
Genome position (GRCh38, 1-based): chr9:95,446,941, C>A on the plus strand (G>T on the coding strand, the complement: PTCH1 is on the minus strand). VCF-style: chr9-95446941-C-A. GRCh37 (hg19) VCF-style: chr9-98209223-C-A.
Other names: c.4315G>T (NM_000264.3); c.4117G>T, p.Glu1373Ter (NM_001083602.3); c.4312G>T, p.Glu1438Ter (NM_001083603.3); c.3862G>T, p.Glu1288Ter (NM_001083604.3, NM_001083605.3, NM_001083606.3 and 1 more transcripts); c.4159G>T, p.Glu1387Ter (NM_001354918.2); short protein forms E1373*, E1439*, E1288*, E1387*, E1438*.
Identifiers: ClinVar variation 1503256 (VCV001503256.9), dbSNP rs2136570815, ClinGen allele CA374109861.

ClinVar aggregate classification (germline): Uncertain significance. Review status: criteria provided, multiple submitters, no conflicts (2 of 4 stars). 3 submissions from 3 submitters: Uncertain significance (3). Last evaluated 2023-08-31.

Conditions:
Basal cell carcinoma, susceptibility to, 1. Also called: BCC1. Identifiers: MedGen C2751544, MONDO:0011556, OMIM 605462.
Gorlin syndrome. Also called: Nevoid Basal Cell Carcinoma Syndrome; Basal cell nevus syndrome. Identifiers: Orphanet 377, MedGen C0004779, MONDO:0007187.
Hereditary cancer-predisposing syndrome. Also called: Tumor predisposition; Hereditary neoplastic syndrome; Neoplastic Syndromes, Hereditary; Hereditary Cancer Syndrome. Identifiers: Orphanet 140162, MedGen C0027672, MeSH D009386, MONDO:0015356.

Submissions (3):

Ambry Genetics
Classification: Uncertain significance for Hereditary cancer-predisposing syndrome. Last evaluated: 2023-08-31. Review status: criteria provided, single submitter. Criteria: Ambry Variant Classification Scheme 2023. Collection method: clinical testing. Allele origin: germline.
Comment: The p.E1439* variant (also known as c.4315G>T), located in coding exon 23 of the PTCH1 gene, results from a G to T substitution at nucleotide position 4315. This changes the amino acid from a glutamic acid to a stop codon within coding exon 23. This alteration occurs at the 3' terminus of thePTCH1 gene, is not expected to trigger nonsense-mediated mRNAdecay, and only impacts the last 10 amino acids of the protein. The exact functional effect of this alteration is unknown. Since supporting evidence is limited at this time, the clinical significance of this alteration remains unclear.

Baylor Genetics
Classification: Uncertain significance for Basal cell carcinoma, susceptibility to, 1. Last evaluated: 2023-07-05. Review status: criteria provided, single submitter. Criteria: ACMG Guidelines, 2015. Collection method: clinical testing. Allele origin: unknown.

Labcorp Genetics (formerly Invitae), Labcorp
Classification: Uncertain significance for Gorlin syndrome. Last evaluated: 2021-08-22. Review status: criteria provided, single submitter. Criteria: Invitae Variant Classification Sherloc (09022015). Collection method: clinical testing. Allele origin: germline.
Comment: This variant is not present in population databases (ExAC no frequency). In summary, the available evidence is currently insufficient to determine the role of this variant in disease. Therefore, it has been classified as a Variant of Uncertain Significance. Experimental studies and prediction algorithms are not available or were not evaluated, and the functional significance of this variant is currently unknown. This variant has not been reported in the literature in individuals affected with PTCH1-related conditions. This sequence change creates a premature translational stop signal (p.Glu1439*) in the PTCH1 gene. While this is not anticipated to result in nonsense mediated decay, it is expected to disrupt the last 9 amino acid(s) of the PTCH1 protein.